The following is an entry in ClinVar:

ClinVar aggregate classification (germline): Uncertain significance. Review status: criteria provided, multiple submitters, no conflicts (2 of 4 stars). 2 submissions from 2 submitters: Uncertain significance (2). Last evaluated 2025-10-02.

Conditions:
Atypical hemolytic-uremic syndrome. Identifiers: Orphanet 2134, MedGen C2931788, MONDO:0016244.

Allele frequency attached by ClinVar (database versions not stated): gnomAD exomes below 0.00001; ExAC 0.00003; gnomAD 0.00004; TOPMed 0.00006; ESP Exome Variant Server 0.00008.
gnomAD v4.1: 11 of 1,613,028 alleles (0.00068%); highest among the groups gnomAD compares: African/African-American, 0.015%; no homozygotes.

Submissions (2):

Genomenon, Inc
Classification: Uncertain significance for Atypical hemolytic-uremic syndrome. Last evaluated: 2025-10-02. Review status: criteria provided, single submitter. Criteria: Genomenon Sequence Variant Interpretation Standards. Collection method: curation. Allele origin: germline. Affected: no.
Comment: CD46 p.Ile347Val (c.1039A>G) is a missense variant that changes the amino acid at residue 347 from Isoleucine to Valine. This variant has been reported in the published literature (PMID:34004375). It is absent or not present at a significant frequency in gnomAD. In silico models agree that this variant is not damaging. In conclusion, we classify CD46 p.Ile347Val (c.1039A>G) as a variant of uncertain significance.

Labcorp Genetics (formerly Invitae), Labcorp
Classification: Uncertain significance. Last evaluated: 2025-04-14. Review status: criteria provided, single submitter. Criteria: Invitae Variant Classification Sherloc (09022015). Collection method: clinical testing. Allele origin: germline.
Comment: This sequence change replaces isoleucine, which is neutral and non-polar, with valine, which is neutral and non-polar, at codon 347 of the CD46 protein (p.Ile347Val). This variant is present in population databases (rs374589915, gnomAD 0.02%). This variant has not been reported in the literature in individuals affected with CD46-related conditions. ClinVar contains an entry for this variant (Variation ID: 2974890). Invitae Evidence Modeling of protein sequence and biophysical properties (such as structural, functional, and spatial information, amino acid conservation, physicochemical variation, residue mobility, and thermodynamic stability) indicates that this missense variant is not expected to disrupt CD46 protein function with a negative predictive value of 80%. In summary, the available evidence is currently insufficient to determine the role of this variant in disease. Therefore, it has been classified as a Variant of Uncertain Significance.

Literature cited by the submitters: PubMed 34004375 (cited by Genomenon, Inc).

NM_172351.3(CD46):c.994A>G (p.Ile332Val)

Gene: CD46 (CD46 molecule; plus strand). Cytogenetic location: 1q32.2.
Variant type: single nucleotide variant.
Coding change: c.994A>G on transcript NM_172351.3 (MANE Select); coding-DNA position 994, A replaced by G.
Protein change: p.Ile332Val; replaces isoleucine 332 with valine.
Molecular consequence: missense variant.
Genome position (GRCh38, 1-based): chr1:207,785,082, A>G. VCF-style: chr1-207785082-A-G. GRCh37 (hg19) VCF-style: chr1-207958427-A-G.
Other names: c.1039A>G, p.Ile347Val (NM_002389.4, NM_172359.3); c.994A>G, p.Ile332Val (NM_153826.4, NM_172358.3); c.949A>G, p.Ile317Val (NM_172350.3, NM_172352.3, NM_172353.3); c.952A>G, p.Ile318Val (NM_172355.3, NM_172356.3); c.907A>G, p.Ile303Val (NM_172357.3, NM_172361.3); short protein forms I303V, I318V, I317V, I332V, I347V.
Identifiers: ClinVar variation 2974890 (VCV002974890.4), dbSNP rs374589915, ClinGen allele CA1371868.